The following is an entry in ClinVar:

NM_013447.4(ADGRE2):c.2147C>T (p.Ser716Phe)

Gene: ADGRE2 (adhesion G protein-coupled receptor E2; minus strand). Cytogenetic location: 19p13.12.
Variant type: single nucleotide variant.
Coding change: c.2147C>T on transcript NM_013447.4 (MANE Select); coding-DNA position 2147, C replaced by T.
Protein change: p.Ser716Phe; replaces serine 716 with phenylalanine.
Molecular consequence: missense variant.
Genome position (GRCh38, 1-based): chr19:14,746,268, G>A on the plus strand (C>T on the coding strand, the complement: ADGRE2 is on the minus strand). VCF-style: chr19-14746268-G-A. GRCh37 (hg19) VCF-style: chr19-14857080-G-A.
Other names: c.1973C>T, p.Ser658Phe (NM_001271052.1); c.2000C>T, p.Ser667Phe (NM_152916.2); c.1868C>T, p.Ser623Phe (NM_152917.2); short protein forms S623F, S658F, S667F, S716F.
Identifiers: ClinVar variation 4810011 (VCV004810011.1).

ClinVar aggregate classification (germline): Uncertain significance (1 of 4 stars; one submission).

Submission:

Labcorp Genetics (formerly Invitae), Labcorp
Classification: Uncertain significance. Last evaluated: 2025-06-15. Review status: criteria provided, single submitter. Criteria: Invitae Variant Classification Sherloc (09022015). Collection method: clinical testing. Allele origin: germline.
Comment: This sequence change replaces serine, which is neutral and polar, with phenylalanine, which is neutral and non-polar, at codon 716 of the ADGRE2 protein (p.Ser716Phe). This variant is not present in population databases (gnomAD no frequency). This variant has not been reported in the literature in individuals affected with ADGRE2-related conditions. An algorithm developed to predict the effect of missense changes on protein structure and function (PolyPhen-2) suggests that this variant is likely to be disruptive. In summary, the available evidence is currently insufficient to determine the role of this variant in disease. Therefore, it has been classified as a Variant of Uncertain Significance.